The following is an entry in ClinVar:

NM_002880.4(RAF1):c.1352A>T (p.Gln451Leu)

Gene: RAF1 (Raf-1 proto-oncogene, serine/threonine kinase; minus strand). Cytogenetic location: 3p25.2.
Variant type: single nucleotide variant.
Coding change: c.1352A>T on transcript NM_002880.4 (MANE Select); coding-DNA position 1352, A replaced by T.
Protein change: p.Gln451Leu; replaces glutamine 451 with leucine.
Molecular consequence: missense variant. On other transcripts: non-coding transcript variant (3).
Genome position (GRCh38, 1-based): chr3:12,590,816, T>A on the plus strand (A>T on the coding strand, the complement: RAF1 is on the minus strand). VCF-style: chr3-12590816-T-A. GRCh37 (hg19) VCF-style: chr3-12632315-T-A.
Other names: c.1412A>T, p.Gln471Leu (NM_001354689.3); c.1352A>T, p.Gln451Leu (NM_001354690.3); c.1109A>T, p.Gln370Leu (NM_001354691.3, NM_001354692.3); c.1253A>T, p.Gln418Leu (NM_001354693.3); c.1169A>T, p.Gln390Leu (NM_001354694.3); c.1010A>T, p.Gln337Leu (NM_001354695.3); short protein forms Q337L, Q390L, Q370L, Q451L, Q471L, Q418L.
Identifiers: ClinVar variation 3635595 (VCV003635595.2).

ClinVar aggregate classification (germline): Uncertain significance (1 of 4 stars; one submission).

Conditions:
RASopathy. Also called: Noonan spectrum disorder; rasopathies. Identifiers: Orphanet 536391, MedGen C5555857, MONDO:0021060.

Submission:

Labcorp Genetics (formerly Invitae), Labcorp
Classification: Uncertain significance for RASopathy. Last evaluated: 2025-02-02. Review status: criteria provided, single submitter. Criteria: Invitae Variant Classification Sherloc (09022015). Collection method: clinical testing. Allele origin: germline.
Comment: This sequence change replaces glutamine, which is neutral and polar, with leucine, which is neutral and non-polar, at codon 451 of the RAF1 protein (p.Gln451Leu). This variant is not present in population databases (gnomAD no frequency). This variant has not been reported in the literature in individuals affected with RAF1-related conditions. Invitae Evidence Modeling incorporating data from in vitro experimental studies (internal data) indicates that this missense variant is not expected to disrupt RAF1 function with a negative predictive value of 95%. In summary, the available evidence is currently insufficient to determine the role of this variant in disease. Therefore, it has been classified as a Variant of Uncertain Significance.